The following is an entry in ClinVar:

NM_024334.3(TMEM43):c.82C>T (p.Arg28Trp)

Gene: TMEM43 (transmembrane protein 43; plus strand). Cytogenetic location: 3p25.1.
Variant type: single nucleotide variant.
Coding change: c.82C>T on transcript NM_024334.3 (MANE Select); coding-DNA position 82, C replaced by T.
Protein change: p.Arg28Trp; replaces arginine 28 with tryptophan.
Molecular consequence: missense variant.
Genome position (GRCh38, 1-based): chr3:14,129,481, C>T. VCF-style: chr3-14129481-C-T. GRCh37 (hg19) VCF-style: chr3-14170981-C-T.
Other names: p.R28W:CGG>TGG; short protein forms R28W.
Identifiers: ClinVar variation 46153 (VCV000046153.80), dbSNP rs35028636, ClinGen allele CA024766.
Genomic context (GRCh38, chr3:14,129,481, plus strand): 5'-ACCAGTACCCGGAGAGAACATGTCAAAGTTAAAACCAGCTCCCAGCCAGGCTTCCTGGAA[C>T]GGCTGAGCGAGACCTCGGGTGGGATGTTTGTGGGGCTCATGGCCTTCCTGCTCTCCTTCT-3'
Protein context (NP_077310.1, residues 18-38): KTSSQPGFLE[Arg28Trp]LSETSGGMFV

ClinVar aggregate classification (germline): Benign/Likely benign. Review status: criteria provided, multiple submitters, no conflicts (2 of 4 stars). 22 submissions from 22 submitters: Benign (13); Likely benign (4). 5 of the submissions do not count toward it. Last evaluated 2026-08-01.

Conditions:
Auditory neuropathy, autosomal dominant 3 (AUNA3). Identifiers: MedGen C5676964, MONDO:0859235, OMIM 619832.
Arrhythmogenic right ventricular dysplasia 5. Also called: Arrhythmogenic Right Ventricular Dysplasia/Cardiomyopathy 5; ARRHYTHMOGENIC RIGHT VENTRICULAR DYSPLASIA, FAMILIAL, 5. Identifiers: MedGen C1858379, MONDO:0011459, OMIM 604400.
Emery-Dreifuss muscular dystrophy 7, autosomal dominant (EDMD7). Also called: Emery-Dreifuss muscular dystrophy 7, AD. Identifiers: Orphanet 261, MedGen C3553060, MONDO:0013677, OMIM 614302.
Cardiovascular phenotype. Identifiers: MedGen CN230736.
Arrhythmogenic right ventricular cardiomyopathy (ARVD). Also called: Arrhythmogenic Right Ventricular Cardiomyopathy (ARVC); Cardiomyopathy, ARVC; Arrhythmogenic right ventricular dysplasia; Arrhythmogenic cardiomyopathy. Identifiers: Orphanet 247, MedGen C0349788, MeSH D019571, MONDO:0016587. Disease mechanism: loss of function. Inheritance: Various modes of inheritance.
Cardiomyopathy (CMYO). Also called: Cardiomyopathies. Identifiers: Orphanet 167848, MedGen C0878544, MONDO:0004994, HP:0001638. Inheritance: Various modes of inheritance.

Allele frequency attached by ClinVar (database versions not stated): ExAC 0.00289; gnomAD 0.00529 and 0.00535; TOPMed 0.00575; ESP Exome Variant Server 0.00669; 1000 Genomes Project 0.00839; 1000 Genomes Project 30x 0.00812; gnomAD exomes 0.00123.
gnomAD v4.1: 2,705 of 1,614,114 alleles (0.17%); highest among the groups gnomAD compares: African/African-American, 1.6%; 21 homozygotes.

Submissions (22):

CeGaT Center for Human Genetics Tuebingen
Classification: Benign. Last evaluated: 2026-08-01. Review status: criteria provided, single submitter. Criteria: CeGaT Center For Human Genetics Tuebingen Variant Classification Criteria Version 2. Collection method: clinical testing. Allele origin: germline. Affected: yes. Observed: 35 variant alleles.
Comment: TMEM43: BS1, BS2

Labcorp Genetics (formerly Invitae), Labcorp
Classification: Benign for Arrhythmogenic right ventricular dysplasia 5. Last evaluated: 2026-02-03. Review status: criteria provided, single submitter. Criteria: Invitae Variant Classification Sherloc (09022015). Collection method: clinical testing. Allele origin: germline.

Genomic Medicine Center of Excellence, King Faisal Specialist Hospital and Research Centre
Classification: Likely benign. Last evaluated: 2025-08-18. Review status: criteria provided, single submitter. Criteria: ACMG Guidelines, 2015. Collection method: clinical testing. Allele origin: germline.

ARUP Laboratories, Molecular Genetics and Genomics, ARUP Laboratories
Classification: Benign. Last evaluated: 2025-05-15. Review status: criteria provided, single submitter. Criteria: ARUP Molecular Germline Variant Investigation Process 2024. Collection method: clinical testing. Allele origin: germline.

Blueprint Genetics
Classification: Likely benign. Last evaluated: 2024-11-14. Review status: criteria provided, single submitter. Criteria: ACMG Guidelines, 2015. Collection method: clinical testing. Allele origin: germline.

All of Us Research Program, National Institutes of Health
Classification: Benign for Arrhythmogenic right ventricular dysplasia 5. Last evaluated: 2024-09-23. Review status: criteria provided, single submitter. Criteria: ACMG Guidelines, 2015. Collection method: clinical testing. Allele origin: germline. Inheritance: Autosomal dominant inheritance. Observed: 735 variant alleles, 732 heterozygotes, 3 homozygotes.
Comment: This study involves interpretation of variants in research participants for the purpose of population health screening. Participant phenotype was not available at the time of variant classification. Additional details can be found in publication PMID: 35346344, PMCID: PMC8962531

Fulgent Genetics
Classification: Benign for Arrhythmogenic right ventricular dysplasia 5; Emery-Dreifuss muscular dystrophy 7, autosomal dominant; Auditory neuropathy, autosomal dominant 3. Last evaluated: 2021-07-19. Review status: criteria provided, single submitter. Criteria: ACMG Guidelines, 2015. Collection method: clinical testing. Allele origin: unknown.

Athena Diagnostics
Classification: Benign. Last evaluated: 2020-03-03. Review status: criteria provided, single submitter. Criteria: Athena Diagnostics Criteria. Collection method: clinical testing. Allele origin: unknown.

Mayo Clinic Laboratories, Mayo Clinic
Classification: Benign. Last evaluated: 2019-05-23. Review status: criteria provided, single submitter. Criteria: ACMG Guidelines, 2015. Collection method: clinical testing. Allele origin: germline. Observed: 9 variant alleles.

Color Diagnostics, LLC DBA Color Health
Classification: Benign for Cardiomyopathy. Last evaluated: 2018-04-07. Review status: criteria provided, single submitter. Criteria: ACMG Guidelines, 2015. Collection method: clinical testing. Allele origin: germline.

CHEO Genetics Diagnostic Laboratory, Children's Hospital of Eastern Ontario
Classification: Likely benign for Cardiomyopathy. Last evaluated: 2017-08-04. Review status: criteria provided, single submitter. Criteria: ACMG Guidelines, 2015. Collection method: clinical testing. Allele origin: germline. Study: Canadian Open Genetics Repository.

Ambry Genetics
Classification: Benign for Cardiovascular phenotype. Last evaluated: 2015-09-17. Review status: criteria provided, single submitter. Criteria: Ambry Variant Classification Scheme 2023. Collection method: clinical testing. Allele origin: germline.

Biesecker Lab/Clinical Genomics Section, National Institutes of Health
Classification: Benign. Last evaluated: 2013-06-24. Review status: criteria provided, single submitter. Criteria: Ng et al. (Circ Cardiovasc Genet. 2013). Collection method: research. Allele origin: unknown. Observed: 7 variant alleles. Study: ClinSeq.
Comment: The study set was not selected for affection status in relation to any cancer. Pathogenicity categories were based on literature curation. See Pubmed ID:23861362 for details.

Medical sequencing

Laboratory for Molecular Medicine, Mass General Brigham Personalized Medicine
Classification: Benign. Last evaluated: 2012-04-05. Review status: criteria provided, single submitter. Criteria: LMM Criteria. Collection method: clinical testing. Allele origin: germline. Observed: 14 variant alleles.

GeneDx
Classification: Benign. Last evaluated: 2012-02-28. Review status: criteria provided, single submitter. Criteria: GeneDx Variant Classification (06012015). Collection method: clinical testing. Allele origin: germline. Affected: yes.
Comment: This variant is considered likely benign or benign based on one or more of the following criteria: it is a conservative change, it occurs at a poorly conserved position in the protein, it is predicted to be benign by multiple in silico algorithms, and/or has population frequency not consistent with disease.

Breakthrough Genomics
Classification: Likely benign. Review status: criteria provided, single submitter. Criteria: ACMG Guidelines, 2015. Collection method: not provided. Allele origin: germline. Inheritance: Autosomal dominant inheritance. Affected: yes.

Molecular Diagnostic Laboratory for Inherited Cardiovascular Disease, Montreal Heart Institute
Classification: Benign for Arrhythmogenic right ventricular cardiomyopathy. Review status: criteria provided, single submitter. Criteria: ACMG Guidelines, 2015. Collection method: clinical testing. Allele origin: germline. Affected: yes.

Clinical Genetics DNA and cytogenetics Diagnostics Lab, Erasmus MC, Erasmus Medical Center
Classification: Benign. Review status: no assertion criteria provided. Collection method: clinical testing. Allele origin: germline. Affected: yes. Study: VKGL Data-share Consensus. Not counted in ClinVar's aggregate classification.

Clinical Genetics, Academic Medical Center
Classification: Benign. Review status: no assertion criteria provided. Collection method: clinical testing. Allele origin: germline. Affected: yes. Study: VKGL Data-share Consensus. Not counted in ClinVar's aggregate classification.

Diagnostic Laboratory, Department of Genetics, University Medical Center Groningen
Classification: Likely benign. Review status: no assertion criteria provided. Collection method: clinical testing. Allele origin: germline. Affected: yes. Study: VKGL Data-share Consensus. Not counted in ClinVar's aggregate classification.

Genome Diagnostics Laboratory, University Medical Center Utrecht
Classification: Benign. Review status: no assertion criteria provided. Collection method: clinical testing. Allele origin: germline. Affected: yes. Study: VKGL Data-share Consensus. Not counted in ClinVar's aggregate classification.

Joint Genome Diagnostic Labs from Nijmegen and Maastricht, Radboudumc and MUMC+
Classification: Likely benign. Review status: no assertion criteria provided. Collection method: clinical testing. Allele origin: germline. Affected: yes. Study: VKGL Data-share Consensus. Not counted in ClinVar's aggregate classification.

Literature cited by the submitters: PubMed 23161701 (cited by Athena Diagnostics).